The following is an entry in ClinVar:

ClinVar aggregate classification (germline): Uncertain significance. Review status: criteria provided, multiple submitters, no conflicts (2 of 4 stars). 2 submissions from 2 submitters: Uncertain significance (2). Last evaluated 2025-11-10.

Conditions:
Inborn genetic diseases. Identifiers: MedGen C0950123, MeSH D030342.

Allele frequency attached by ClinVar (database versions not stated): gnomAD 0.00001; TOPMed 0.00002; ExAC 0.00003; gnomAD exomes 0.00003.
gnomAD v4.1: 48 of 1,613,558 alleles (0.003%); highest among the groups gnomAD compares: Non-Finnish European, 0.0034%; no homozygotes.

Submissions (2):

Labcorp Genetics (formerly Invitae), Labcorp
Classification: Uncertain significance. Last evaluated: 2025-11-10. Review status: criteria provided, single submitter. Criteria: Invitae Variant Classification Sherloc (09022015). Collection method: clinical testing. Allele origin: germline.
Comment: This sequence change replaces arginine, which is basic and polar, with histidine, which is basic and polar, at codon 1752 of the HERC1 protein (p.Arg1752His). This variant is present in population databases (rs773187788, gnomAD 0.007%). This variant has not been reported in the literature in individuals affected with HERC1-related conditions. ClinVar contains an entry for this variant (Variation ID: 2186637). Invitae Evidence Modeling of protein sequence and biophysical properties (such as structural, functional, and spatial information, amino acid conservation, physicochemical variation, residue mobility, and thermodynamic stability) indicates that this missense variant is not expected to disrupt HERC1 protein function with a negative predictive value of 80%. In summary, the available evidence is currently insufficient to determine the role of this variant in disease. Therefore, it has been classified as a Variant of Uncertain Significance.

Ambry Genetics
Classification: Uncertain significance for Inborn genetic diseases. Last evaluated: 2024-03-07. Review status: criteria provided, single submitter. Criteria: Ambry Variant Classification Scheme 2023. Collection method: clinical testing. Allele origin: germline.

NM_003922.4(HERC1):c.5255G>A (p.Arg1752His)

Gene: HERC1 (HECT and RLD domain containing E3 ubiquitin protein ligase family member 1; minus strand). Cytogenetic location: 15q22.31.
Variant type: single nucleotide variant.
Coding change: c.5255G>A on transcript NM_003922.4 (MANE Select); coding-DNA position 5255, G replaced by A.
Protein change: p.Arg1752His; replaces arginine 1752 with histidine.
Molecular consequence: missense variant.
Genome position (GRCh38, 1-based): chr15:63,694,537, C>T on the plus strand (G>A on the coding strand, the complement: HERC1 is on the minus strand). VCF-style: chr15-63694537-C-T. GRCh37 (hg19) VCF-style: chr15-63986736-C-T.
Other names: c.5255G>A (NM_003922.3); short protein forms R1752H.
Identifiers: ClinVar variation 2186637 (VCV002186637.5), dbSNP rs773187788, ClinGen allele CA7605567.
Genomic context (GRCh38, chr15:63,694,537, plus strand): 5'-AAAGAAACATCTACTGGTTGATAATGAACACTTAGGGCAAAAACTGTAACCAGAAGCAGA[C>T]GTTGCTGGGCTTCTAAAAGACAAAGAGACAGTTAAGAATCTTCCTTTCAGTAAACAAAGC-3'
Protein context (NP_003913.3, residues 1742-1762): ANKHHIEAQQ[Arg1752His]LLLVTVFALS